The following is an entry in ClinVar:

NM_001395002.1(MAP4K4):c.2235A>C (p.Arg745Ser)

Gene: MAP4K4 (mitogen-activated protein kinase kinase kinase kinase 4; plus strand). Cytogenetic location: 2q11.2.
Variant type: single nucleotide variant.
Coding change: c.2235A>C on transcript NM_001395002.1 (MANE Select); coding-DNA position 2235, A replaced by C.
Protein change: p.Arg745Ser; replaces arginine 745 with serine.
Molecular consequence: missense variant. On other transcripts: non-coding transcript variant (4).
Genome position (GRCh38, 1-based): chr2:101,866,458, A>C. VCF-style: chr2-101866458-A-C. GRCh37 (hg19) VCF-style: chr2-102482920-A-C.
Other names: c.2001A>C, p.Arg667Ser (NM_001242559.2, NM_001384488.1); c.1980A>C, p.Arg660Ser (NM_001242560.2, NM_001384487.1); c.2070A>C, p.Arg690Ser (NM_001384476.1); c.2067A>C, p.Arg689Ser (NM_001384477.1, NM_001384508.1); c.1749A>C, p.Arg583Ser (NM_001384478.1, NM_001384482.1, NM_001384495.1); c.2004A>C, p.Arg668Ser (NM_001384481.1, NM_001384486.1, NM_001384507.1); c.1839A>C, p.Arg613Ser (NM_001384483.1, NM_001384494.1); c.2073A>C, p.Arg691Ser (NM_001384484.1, NM_001384485.1, NM_001384493.1); and 19 more; short protein forms R573S, R574S, R582S, R583S, R605S, R613S, R614S, R628S.
Identifiers: ClinVar variation 3906798 (VCV003906798.2).

ClinVar aggregate classification (germline): Uncertain significance (1 of 4 stars; one submission).

Submission:

GeneDx
Classification: Uncertain significance. Last evaluated: 2026-07-02. Review status: criteria provided, single submitter. Criteria: GeneDx Variant Classification Process June 2021. Collection method: clinical testing. Allele origin: germline.
Comment: Not observed at significant frequency in large population cohorts (gnomAD); In silico analysis supports that this missense variant has a deleterious effect on protein structure/function; Has not been previously published as pathogenic or benign to our knowledge